The following is an entry in ClinVar:

NM_153610.5(CMYA5):c.252C>G (p.Thr84=)

Gene: CMYA5 (cardiomyopathy associated 5; plus strand). Cytogenetic location: 5q14.1.
Variant type: single nucleotide variant.
Coding change: c.252C>G on transcript NM_153610.5 (MANE Select); coding-DNA position 252, C replaced by G.
Protein change: p.Thr84=; no amino-acid change (threonine 84 retained).
Molecular consequence: synonymous variant.
Genome position (GRCh38, 1-based): chr5:79,729,017, C>G. VCF-style: chr5-79729017-C-G. GRCh37 (hg19) VCF-style: chr5-79024840-C-G.
Identifiers: ClinVar variation 2655557 (VCV002655557.24), dbSNP rs143935876, ClinGen allele CA3321147.

ClinVar aggregate classification (germline): Likely benign (1 of 4 stars; one submission).

Allele frequency attached by ClinVar (database versions not stated): ESP Exome Variant Server 0.00008; gnomAD exomes 0.00009; gnomAD 0.00011; TOPMed 0.00018; 1000 Genomes Project 30x 0.00031; ExAC 0.00031; 1000 Genomes Project 0.00040.
gnomAD v4.1: 169 of 1,613,912 alleles (0.01%); highest among the groups gnomAD compares: East Asian, 0.18%; no homozygotes.

Submission:

CeGaT Center for Human Genetics Tuebingen
Classification: Likely benign. Last evaluated: 2022-11-01. Review status: criteria provided, single submitter. Criteria: CeGaT Center For Human Genetics Tuebingen Variant Classification Criteria Version 2. Collection method: clinical testing. Allele origin: germline. Affected: yes. Observed: 1 variant allele.
Comment: CMYA5: BP4, BP7